The following is an entry in ClinVar:

NM_000051.4(ATM):c.7841C>A (p.Pro2614His)

Genes: ATM (ATM serine/threonine kinase; plus strand), C11orf65 (chromosome 11 open reading frame 65; minus strand). Cytogenetic location: 11q22.3.
Variant type: single nucleotide variant.
Coding change: c.7841C>A on transcript NM_000051.4 (MANE Select); coding-DNA position 7841, C replaced by A.
Protein change: p.Pro2614His; replaces proline 2614 with histidine.
Molecular consequence: missense variant. On other transcripts: intron variant (2).
Genome position (GRCh38, 1-based): chr11:108,332,814, C>A. VCF-style: chr11-108332814-C-A. GRCh37 (hg19) VCF-style: chr11-108203541-C-A.
Other names: c.7841C>A, p.Pro2614His (NM_001351834.2); c.641-23743G>T (NM_001330368.2); c.*38+2406G>T (NM_001351110.2); short protein forms P2614H.
Identifiers: ClinVar variation 479057 (VCV000479057.17), dbSNP rs769207177, ClinGen allele CA382561348.

ClinVar aggregate classification (germline): Uncertain significance. Review status: criteria provided, multiple submitters, no conflicts (2 of 4 stars). 3 submissions from 3 submitters: Uncertain significance (3). Last evaluated 2025-08-20.

Conditions:
Hereditary cancer-predisposing syndrome. Also called: Neoplastic Syndromes, Hereditary; Hereditary Cancer Syndrome; Tumor predisposition; Hereditary neoplastic syndrome. Identifiers: Orphanet 140162, MedGen C0027672, MeSH D009386, MONDO:0015356.
Ataxia-telangiectasia syndrome (AT). Also called: LOUIS-BAR SYNDROME; Cerebello-oculocutaneous telangiectasia; Immunodeficiency with ataxia telangiectasia; Ataxia-telangiectasia, complementation group D; AT, COMPLEMENTATION GROUP C; Ataxia-telangiectasia, complementation group E. Identifiers: Orphanet 100, MedGen C0004135, MONDO:0008840, OMIM 208900.
Familial cancer of breast. Also called: Hereditary breast cancer; BREAST CANCER, FAMILIAL; hereditary breast carcinoma. Identifiers: Orphanet 227535, MedGen C0346153, MONDO:0016419, OMIM 114480. Disease mechanism: loss of function.

Submissions (3):

Ambry Genetics
Classification: Uncertain significance for Hereditary cancer-predisposing syndrome. Last evaluated: 2025-08-20. Review status: criteria provided, single submitter. Criteria: Ambry Variant Classification Scheme 2023. Collection method: clinical testing. Allele origin: germline.
Comment: The p.P2614H variant (also known as c.7841C>A), located in coding exon 52 of the ATM gene, results from a C to A substitution at nucleotide position 7841. The proline at codon 2614 is replaced by histidine, an amino acid with similar properties. A different alteration at this position, p.P2614S, has been detected in 1/4112 breast cancer patients and 0/2399 healthy control individuals across numerous studies (Tavtigian S et al. Am J Hum Genet. 2009 Oct;85(4):427-46). This amino acid position is poorly conserved in available vertebrate species. In addition, this alteration is predicted to be tolerated by in silico analysis. Since supporting evidence is limited at this time, the clinical significance of this alteration remains unclear.

Labcorp Genetics (formerly Invitae), Labcorp
Classification: Uncertain significance for Ataxia-telangiectasia syndrome. Last evaluated: 2024-10-21. Review status: criteria provided, single submitter. Criteria: Invitae Variant Classification Sherloc (09022015). Collection method: clinical testing. Allele origin: germline.
Comment: This sequence change replaces proline, which is neutral and non-polar, with histidine, which is basic and polar, at codon 2614 of the ATM protein (p.Pro2614His). This variant is not present in population databases (gnomAD no frequency). This variant has not been reported in the literature in individuals affected with ATM-related conditions. ClinVar contains an entry for this variant (Variation ID: 479057). Invitae Evidence Modeling of protein sequence and biophysical properties (such as structural, functional, and spatial information, amino acid conservation, physicochemical variation, residue mobility, and thermodynamic stability) indicates that this missense variant is not expected to disrupt ATM protein function with a negative predictive value of 95%. In summary, the available evidence is currently insufficient to determine the role of this variant in disease. Therefore, it has been classified as a Variant of Uncertain Significance.

Baylor Genetics
Classification: Uncertain significance for Familial cancer of breast. Last evaluated: 2023-11-17. Review status: criteria provided, single submitter. Criteria: ACMG Guidelines, 2015. Collection method: clinical testing. Allele origin: unknown.